The following is an entry in ClinVar:

NM_018453.4(EAPP):c.716G>A (p.Arg239Gln)

Gene: EAPP (E2F associated phosphoprotein; minus strand). Cytogenetic location: 14q13.1.
Variant type: single nucleotide variant.
Coding change: c.716G>A on transcript NM_018453.4 (MANE Select); coding-DNA position 716, G replaced by A.
Protein change: p.Arg239Gln; replaces arginine 239 with glutamine.
Molecular consequence: missense variant. On other transcripts: 3 prime UTR variant (1).
Genome position (GRCh38, 1-based): chr14:34,516,452, C>T on the plus strand (G>A on the coding strand, the complement: EAPP is on the minus strand). VCF-style: chr14-34516452-C-T. GRCh37 (hg19) VCF-style: chr14-34985658-C-T.
Other names: c.*178G>A (NM_001318916.2); short protein forms R239Q.
Identifiers: ClinVar variation 1291338 (VCV001291338.3), dbSNP rs17856037, ClinGen allele CA7151426.
Genomic context (GRCh38, chr14:34,516,452, plus strand): 5'-CACATGACTGGGTGATAGATTTCTTCCACATCTGTCTCTGCCTTCTCGGCAGCATCTTCC[C>T]GGTTAGACCTCATCTTCTTATGGACCCGCCTTTTCTTCCTGTTCTCTGAGGCTTTATATC-3'
Protein context (NP_060923.2, residues 229-249): RRVHKKMRSN[Arg239Gln]EDAAEKAETD

ClinVar aggregate classification (germline): Benign. Review status: criteria provided, multiple submitters, no conflicts (2 of 4 stars). 2 submissions from 2 submitters: Benign (2). Last evaluated 2019-04-19.

Allele frequency attached by ClinVar (database versions not stated): ExAC 0.03265; 1000 Genomes Project 0.05851; gnomAD 0.06318 and 0.06686; 1000 Genomes Project 30x 0.06355; TOPMed 0.07068; ESP Exome Variant Server 0.07088.
gnomAD v4.1: 49,334 of 1,614,004 alleles (3.1%); highest among the groups gnomAD compares: African/African-American, 17%; 1,575 homozygotes.

Submissions (2):

GeneDx
Classification: Benign. Last evaluated: 2019-04-19. Review status: criteria provided, single submitter. Criteria: GeneDx Variant Classification Process June 2021. Collection method: clinical testing. Allele origin: germline. Affected: yes.
Comment: This variant is associated with the following publications: (PMID: 30679340)

Breakthrough Genomics
Classification: Benign. Review status: criteria provided, single submitter. Criteria: ACMG Guidelines, 2015. Collection method: not provided. Allele origin: germline. Inheritance: Unknown mechanism. Affected: yes.